The following is an entry in ClinVar:

NM_000152.5(GAA):c.2007del (p.Phe670fs)

Gene: GAA (alpha glucosidase; plus strand). Cytogenetic location: 17q25.3.
Variant type: Deletion.
Coding change: c.2007del on transcript NM_000152.5 (MANE Select); coding-DNA position 2007, one base deleted (C; older notation c.2007delC).
Protein change: p.Phe670fs; shifts the reading frame from phenylalanine 670.
Molecular consequence: frameshift variant.
Genome position (GRCh38, 1-based): chr17:80,112,994, C deleted; the last of 4 consecutive C bases (chr17:80,112,991-80,112,994); deleting any one gives the same sequence. VCF-style (leftmost placement, unchanged base first): chr17-80112990-AC-A. GRCh37 (hg19) VCF-style: chr17-78086789-AC-A.
Other names: c.2007del, p.Phe670fs (NM_001079803.3, NM_001079804.3, NM_001406741.1 and 1 more transcripts); short protein forms F670fs.
Identifiers: ClinVar variation 5013975 (VCV005013975.1).
Genomic context (GRCh38, chr17:80,112,990, plus strand): 5'-GCTTCCTGGGCAACACCTCAGAGGAGCTGTGTGTGCGCTGGACCCAGCTGGGGGCCTTCT[AC>A]CCCTTCATGCGGAACCACAACAGCCTGCTCAGTCTGGTAGGGTGGGGGTGGCGGCATGGC-3'

ClinVar aggregate classification (germline): Pathogenic (1 of 4 stars; one submission).

Conditions:
Glycogen storage disease, type II (IOPD). Also called: CARDIOMEGALIA GLYCOGENICA DIFFUSA; GLYCOGENOSIS, GENERALIZED, CARDIAC FORM; GSD II; Glycogen storage disease type 2; Acid maltase deficiency disease; Aglucosidase alfa. Identifiers: Orphanet 365, MedGen C0017921, MONDO:0009290, OMIM 232300.

Submission:

Myriad Genetics, Inc.
Classification: Pathogenic for Glycogen storage disease, type II. Last evaluated: 2025-01-17. Review status: criteria provided, single submitter. Criteria: Myriad Autosomal Dominant, Autosomal Recessive and X-Linked Classification Criteria (2023). Collection method: clinical testing. Allele origin: unknown.
Comment: NM_000152.3(GAA):c.2007delC(F670Sfs*26) is expected to be pathogenic in the context of Pompe disease. This variant is predicted to lead to an abnormal or absent protein product due to the creation of a premature termination codon in GAA, a gene where loss-of-function variants are known to be pathogenic. Please note: this variant was assessed in the context of healthy population screening.